The following is an entry in ClinVar:

NM_001378454.1(ALMS1):c.5466T>C (p.His1822=)

Gene: ALMS1 (ALMS1 centrosome and basal body associated protein; plus strand). Cytogenetic location: 2p13.1.
Variant type: single nucleotide variant.
Coding change: c.5466T>C on transcript NM_001378454.1 (MANE Select); coding-DNA position 5466, T replaced by C.
Protein change: p.His1822=; no amino-acid change (histidine 1822 retained).
Molecular consequence: synonymous variant.
Genome position (GRCh38, 1-based): chr2:73,451,993, T>C. VCF-style: chr2-73451993-T-C. GRCh37 (hg19) VCF-style: chr2-73679120-T-C.
Other names: c.5469T>C, p.His1823= (NM_015120.4).
Identifiers: ClinVar variation 4993112 (VCV004993112.1).

ClinVar aggregate classification (germline): Likely benign (1 of 4 stars; one submission).

Conditions:
ALMS1-related disorder. Also called: ALMS1-related condition.

Submission:

PreventionGenetics, part of Exact Sciences
Classification: Likely benign for ALMS1-related condition. Last evaluated: 2025-09-03. Review status: criteria provided, single submitter. Criteria: ACMG Guidelines, 2015. Collection method: clinical testing. Allele origin: germline.
Comment: This variant is classified as likely benign based on ACMG/AMP sequence variant interpretation guidelines (Richards et al. 2015 PMID: 25741868, with internal and published modifications).